The following is an entry in ClinVar:

NM_006059.4(LAMC3):c.4184A>G (p.Lys1395Arg)

Gene: LAMC3 (laminin subunit gamma 3; plus strand). Cytogenetic location: 9q34.12.
Variant type: single nucleotide variant.
Coding change: c.4184A>G on transcript NM_006059.4 (MANE Select); coding-DNA position 4184, A replaced by G.
Protein change: p.Lys1395Arg; replaces lysine 1395 with arginine.
Molecular consequence: missense variant.
Genome position (GRCh38, 1-based): chr9:131,085,677, A>G. VCF-style: chr9-131085677-A-G. GRCh37 (hg19) VCF-style: chr9-133961064-A-G.
Other names: short protein forms K1395R.
Identifiers: ClinVar variation 1515777 (VCV001515777.8), dbSNP rs772776985, ClinGen allele CA5288072.

ClinVar aggregate classification (germline): Uncertain significance (1 of 4 stars; one submission).

Allele frequency attached by ClinVar (database versions not stated): ExAC 0.00001; gnomAD 0.00001; gnomAD exomes 0.00001 and 0.00002; TOPMed 0.00002.
gnomAD v4.1: 24 of 1,614,078 alleles (0.0015%); highest among the groups gnomAD compares: East Asian, 0.036%; no homozygotes.

Submission:

Labcorp Genetics (formerly Invitae), Labcorp
Classification: Uncertain significance. Last evaluated: 2023-11-20. Review status: criteria provided, single submitter. Criteria: Invitae Variant Classification Sherloc (09022015). Collection method: clinical testing. Allele origin: germline.
Comment: This sequence change replaces lysine, which is basic and polar, with arginine, which is basic and polar, at codon 1395 of the LAMC3 protein (p.Lys1395Arg). This variant is present in population databases (rs772776985, gnomAD 0.01%). This variant has not been reported in the literature in individuals affected with LAMC3-related conditions. ClinVar contains an entry for this variant (Variation ID: 1515777). Algorithms developed to predict the effect of missense changes on protein structure and function output the following: SIFT: "Not Available"; PolyPhen-2: "Benign"; Align-GVGD: "Not Available". The arginine amino acid residue is found in multiple mammalian species, which suggests that this missense change does not adversely affect protein function. In summary, the available evidence is currently insufficient to determine the role of this variant in disease. Therefore, it has been classified as a Variant of Uncertain Significance.